The following is an entry in ClinVar:

NM_006648.4(WNK2):c.214C>A (p.Gln72Lys)

Gene: WNK2 (WNK lysine deficient protein kinase 2; plus strand). Cytogenetic location: 9q22.31.
Variant type: single nucleotide variant.
Coding change: c.214C>A on transcript NM_006648.4 (MANE Select); coding-DNA position 214, C replaced by A.
Protein change: p.Gln72Lys; replaces glutamine 72 with lysine.
Molecular consequence: missense variant.
Genome position (GRCh38, 1-based): chr9:93,185,143, C>A. VCF-style: chr9-93185143-C-A. GRCh37 (hg19) VCF-style: chr9-95947425-C-A.
Other names: c.214C>A, p.Gln72Lys (NM_001282394.3); short protein forms Q72K.
Identifiers: ClinVar variation 4605371 (VCV004605371.1).
Genomic context (GRCh38, chr9:93,185,143, plus strand): 5'-GAGGAGCCGCCGGGCTTGGAGGCAGCCGAGGCGCCGGGCCCGCAGCCCCCGCAGCCCCTG[C>A]AGCGCCGGGTGCTTCTGCTCTGCAAGACGCGCCGCCTCATCGCGGAGCGCGCCCGCGGAC-3'
Protein context (NP_006639.3, residues 62-82): APGPQPPQPL[Gln72Lys]RRVLLLCKTR

ClinVar aggregate classification (germline): Uncertain significance (1 of 4 stars; one submission).

Submission:

Ambry Genetics
Classification: Uncertain significance. Last evaluated: 2025-11-19. Review status: criteria provided, single submitter. Criteria: Ambry Variant Classification Scheme 2023. Collection method: clinical testing. Allele origin: germline.
Comment: The p.Q72K variant (also known as c.214C>A), located in coding exon 1 of the WNK2 gene, results from a C to A substitution at nucleotide position 214. The glutamine at codon 72 is replaced by lysine, an amino acid with similar properties. This amino acid position is conserved. In addition, this alteration is predicted to be tolerated by in silico analysis. Based on the available evidence, the clinical significance of this variant remains unclear.